The following is an entry in ClinVar:

ClinVar aggregate classification (germline): Uncertain significance (1 of 4 stars; one submission).

Conditions:
AFF4-related disorder. Also called: AFF4-related condition.

Submission:

PreventionGenetics, part of Exact Sciences
Classification: Uncertain significance for AFF4-related condition. Last evaluated: 2025-04-17. Review status: criteria provided, single submitter. Criteria: ACMG Guidelines, 2015. Collection method: clinical testing. Allele origin: germline.
Comment: The AFF4 c.2273A>G variant is predicted to result in the amino acid substitution p.Glu758Gly. To our knowledge, this variant has not been reported in the literature or in a large population database (gnomAD), indicating this variant is rare. At this time, the clinical significance of this variant is uncertain due to the absence of conclusive functional and genetic evidence.

NM_014423.4(AFF4):c.2273A>G (p.Glu758Gly)

Gene: AFF4 (ALF transcription elongation factor 4; minus strand). Cytogenetic location: 5q31.1.
Variant type: single nucleotide variant.
Coding change: c.2273A>G on transcript NM_014423.4 (MANE Select); coding-DNA position 2273, A replaced by G.
Protein change: p.Glu758Gly; replaces glutamic acid 758 with glycine.
Molecular consequence: missense variant.
Genome position (GRCh38, 1-based): chr5:132,896,357, T>C on the plus strand (A>G on the coding strand, the complement: AFF4 is on the minus strand). VCF-style: chr5-132896357-T-C. GRCh37 (hg19) VCF-style: chr5-132232049-T-C.
Other names: short protein forms E758G.
Identifiers: ClinVar variation 5000401 (VCV005000401.1).